The following is an entry in ClinVar:

ClinVar aggregate classification (germline): Likely benign. Review status: criteria provided, multiple submitters, no conflicts (2 of 4 stars). 4 submissions from 4 submitters: Likely benign (4). Last evaluated 2025-12-08.

Conditions:
Cardiomyopathy (CMYO). Also called: Cardiomyopathies. Identifiers: Orphanet 167848, MedGen C0878544, MONDO:0004994, HP:0001638. Inheritance: Various modes of inheritance.
Cardiovascular phenotype. Identifiers: MedGen CN230736.
Hypertrophic cardiomyopathy. Also called: HYPERTROPHIC MYOCARDIOPATHY. Identifiers: Orphanet 217569, MedGen C0007194, MeSH D002312, MONDO:0005045, HP:0001639.

Allele frequency attached by ClinVar (database versions not stated): gnomAD exomes below 0.00001; ExAC 0.00001; gnomAD 0.00003; TOPMed 0.00003.
gnomAD v4.1: 6 of 1,614,088 alleles (0.00037%); highest among the groups gnomAD compares: African/African-American, 0.008%; no homozygotes.

Submissions (4):

Labcorp Genetics (formerly Invitae), Labcorp
Classification: Likely benign for Hypertrophic cardiomyopathy. Last evaluated: 2025-12-08. Review status: criteria provided, single submitter. Criteria: Invitae Variant Classification Sherloc (09022015). Collection method: clinical testing. Allele origin: germline.

All of Us Research Program, National Institutes of Health
Classification: Likely benign for Cardiomyopathy. Last evaluated: 2023-06-26. Review status: criteria provided, single submitter. Criteria: ACMG Guidelines, 2015. Collection method: clinical testing. Allele origin: germline. Inheritance: Autosomal dominant inheritance. Observed: 2 variant alleles, 2 heterozygotes.
Comment: This study involves interpretation of variants in research participants for the purpose of population health screening. Participant phenotype was not available at the time of variant classification. Additional details can be found in publication PMID: 35346344, PMCID: PMC8962531

Ambry Genetics
Classification: Likely benign for Cardiovascular phenotype. Last evaluated: 2022-02-24. Review status: criteria provided, single submitter. Criteria: Ambry Variant Classification Scheme 2023. Collection method: clinical testing. Allele origin: germline.

GeneDx
Classification: Likely benign. Last evaluated: 2020-04-08. Review status: criteria provided, single submitter. Criteria: GeneDx Variant Classification Process June 2021. Collection method: clinical testing. Allele origin: germline. Affected: yes.

NM_000257.4(MYH7):c.2643G>T (p.Leu881=)

Genes: MYH7 (myosin heavy chain 7; minus strand), LOC126861898 (BRD4-independent group 4 enhancer GRCh37_chr14:23893609-23894808; plus strand). Cytogenetic location: 14q11.2.
Variant type: single nucleotide variant.
Coding change: c.2643G>T on transcript NM_000257.4 (MANE Select); coding-DNA position 2643, G replaced by T.
Protein change: p.Leu881=; no amino-acid change (leucine 881 retained).
Molecular consequence: synonymous variant.
Genome position (GRCh38, 1-based): chr14:23,424,805, C>A on the plus strand (G>T on the coding strand, the complement: MYH7 is on the minus strand). VCF-style: chr14-23424805-C-A. GRCh37 (hg19) VCF-style: chr14-23894014-C-A.
Other names: c.2643G>T (LRG_384t1).
Identifiers: ClinVar variation 513791 (VCV000513791.15), dbSNP rs754470231, ClinGen allele CA033588.